The following is an entry in ClinVar:

NM_006258.4(PRKG1):c.1017G>A (p.Leu339=)

Gene: PRKG1 (protein kinase cGMP-dependent 1; plus strand). Cytogenetic location: 10q21.1.
Variant type: single nucleotide variant.
Coding change: c.1017G>A on transcript NM_006258.4 (MANE Select); coding-DNA position 1017, G replaced by A.
Protein change: p.Leu339=; no amino-acid change (leucine 339 retained).
Molecular consequence: synonymous variant.
Genome position (GRCh38, 1-based): chr10:52,161,904, G>A. VCF-style: chr10-52161904-G-A. GRCh37 (hg19) VCF-style: chr10-53921664-G-A.
Other names: c.972G>A, p.Leu324= (LRG_1135t2, NM_001098512.3); c.1017G>A, p.Leu339= (LRG_1135t1).
Identifiers: ClinVar variation 414274 (VCV000414274.22), dbSNP rs187636159, ClinGen allele CA5503733.
Genomic context (GRCh38, chr10:52,161,904, plus strand): 5'-ACTATTTTGTAGAAGATTAATCACTGTGCTTTTTTCGTCTGACAGCTCTTTTAAACATTT[G>A]ATTGGAGGGCTGGATGATGTTTCTAATAAAGCATATGAAGATGCAGAAGCTAAAGCAAAG-3'
Protein context (NP_006249.1, residues 329-349): LVIDRDSFKH[Leu339=]IGGLDDVSNK

ClinVar aggregate classification (germline): Benign/Likely benign. Review status: criteria provided, multiple submitters, no conflicts (2 of 4 stars). 6 submissions from 6 submitters: Benign (2); Likely benign (4). Last evaluated 2026-01-19.

Conditions:
PRKG1-related disorder. Also called: PRKG1-related condition.
Aortic aneurysm, familial thoracic 8 (AAT8). Identifiers: MedGen C3809513, MONDO:0014187, OMIM 615436.
Familial thoracic aortic aneurysm and aortic dissection (TAAD). Also called: Thoracic aortic aneurysms and dissections. Identifiers: Orphanet 91387, MedGen C4707243, MONDO:0019625.

Allele frequency attached by ClinVar (database versions not stated): gnomAD exomes 0.00009 and 0.00047; gnomAD 0.00012 and 0.00017; TOPMed 0.00017; 1000 Genomes Project 0.00160; ExAC 0.00041; 1000 Genomes Project 30x 0.00156.
gnomAD v4.1: 160 of 1,612,614 alleles (0.0099%); highest among the groups gnomAD compares: East Asian, 0.33%; no homozygotes.

Submissions (6):

Labcorp Genetics (formerly Invitae), Labcorp
Classification: Benign for Aortic aneurysm, familial thoracic 8. Last evaluated: 2026-01-19. Review status: criteria provided, single submitter. Criteria: Invitae Variant Classification Sherloc (09022015). Collection method: clinical testing. Allele origin: germline.

PreventionGenetics, part of Exact Sciences
Classification: Likely benign for PRKG1-related condition. Last evaluated: 2025-08-20. Review status: criteria provided, single submitter. Criteria: ACMG Guidelines, 2015. Collection method: clinical testing. Allele origin: germline.
Comment: This variant is classified as likely benign based on ACMG/AMP sequence variant interpretation guidelines (Richards et al. 2015 PMID: 25741868, with internal and published modifications).

Blueprint Genetics
Classification: Likely benign. Last evaluated: 2024-09-12. Review status: criteria provided, single submitter. Criteria: ACMG Guidelines, 2015. Collection method: clinical testing. Allele origin: germline.

Women's Health and Genetics/Laboratory Corporation of America, LabCorp
Classification: Benign. Last evaluated: 2023-07-21. Review status: criteria provided, single submitter. Criteria: LabCorp Variant Classification Summary - May 2015. Collection method: clinical testing. Allele origin: germline.

GeneDx
Classification: Likely benign. Last evaluated: 2021-04-14. Review status: criteria provided, single submitter. Criteria: GeneDx Variant Classification Process June 2021. Collection method: clinical testing. Allele origin: germline. Affected: yes.

Ambry Genetics
Classification: Likely benign for Familial thoracic aortic aneurysm and aortic dissection. Last evaluated: 2016-12-21. Review status: criteria provided, single submitter. Criteria: Ambry Variant Classification Scheme 2023. Collection method: clinical testing. Allele origin: germline.